The following is an entry in ClinVar:

NM_001267550.2(TTN):c.11465T>C (p.Phe3822Ser)

Gene: TTN (titin; minus strand). Cytogenetic location: 2q31.2.
Variant type: single nucleotide variant.
Coding change: c.11465T>C on transcript NM_001267550.2 (MANE Select); coding-DNA position 11465, T replaced by C.
Protein change: p.Phe3822Ser; replaces phenylalanine 3822 with serine.
Molecular consequence: missense variant. On other transcripts: intron variant (1).
Genome position (GRCh38, 1-based): chr2:178,741,768, A>G on the plus strand (T>C on the coding strand, the complement: TTN is on the minus strand). VCF-style: chr2-178741768-A-G. GRCh37 (hg19) VCF-style: chr2-179606495-A-G.
Other names: p.F3505S:TTC>TCC; c.10514T>C, p.Phe3505Ser (NM_001256850.1); c.10376T>C, p.Phe3459Ser (NM_003319.4); c.10751T>C, p.Phe3584Ser (NM_133432.3); c.10952T>C, p.Phe3651Ser (NM_133437.4); c.10361-3408T>C (NM_133378.4); short protein forms F3505S, F3822S, F3584S, F3459S, F3651S.
Identifiers: ClinVar variation 203220 (VCV000203220.1), dbSNP rs794729600, ClinGen allele CA311719.

ClinVar aggregate classification (germline): Uncertain significance (1 of 4 stars; one submission).

Submission:

GeneDx
Classification: Uncertain significance. Last evaluated: 2013-06-17. Review status: criteria provided, single submitter. Criteria: GeneDx Variant Classification (06012015). Collection method: clinical testing. Allele origin: germline. Affected: yes.
Comment: Missense variants in the TTN gene are considered 'unclassified' if they are not previously reported in the literature and do not have >1% frequency in the population to be considered a polymorphism. Research indicates that truncating mutations in the TTN gene are expected to account for approximately 25% of familial and 18% of sporadic idiopathic DCM; however, truncating variants in the TTN gene have been reported in approximately 3% of reported control alleles. There has been little investigation into non-truncating variants. (Herman D et al. Truncations of titin causing dilated cardiomyopathy. N Eng J Med 366:619-628, 2012) The variant is found in DCM panel(s).